The following is an entry in ClinVar:

ClinVar aggregate classification (germline): Uncertain significance (1 of 4 stars; one submission).

Allele frequency attached by ClinVar (database versions not stated): gnomAD exomes below 0.00001.
gnomAD v4.1: 1 of 1,521,858 alleles (0.000066%); highest among the groups gnomAD compares: Admixed American, 0.002%; no homozygotes.

Submission:

Labcorp Genetics (formerly Invitae), Labcorp
Classification: Uncertain significance. Last evaluated: 2020-12-14. Review status: criteria provided, single submitter. Criteria: Invitae Variant Classification Sherloc (09022015). Collection method: clinical testing. Allele origin: germline.
Comment: In summary, the available evidence is currently insufficient to determine the role of this variant in disease. Therefore, it has been classified as a Variant of Uncertain Significance. Algorithms developed to predict the effect of sequence changes on RNA splicing suggest that this variant may create or strengthen a splice site, but this prediction has not been confirmed by published transcriptional studies. Algorithms developed to predict the effect of missense changes on protein structure and function (SIFT, PolyPhen-2, Align-GVGD) all suggest that this variant is likely to be tolerated, but these predictions have not been confirmed by published functional studies and their clinical significance is uncertain. This variant has not been reported in the literature in individuals with NPR3-related conditions. This variant is not present in population databases (ExAC no frequency). This sequence change replaces serine with glycine at codon 254 of the NPR3 protein (p.Ser254Gly). The serine residue is moderately conserved and there is a small physicochemical difference between serine and glycine.

NM_001204375.2(NPR3):c.760A>G (p.Ser254Gly)

Genes: NPR3 (natriuretic peptide receptor 3; plus strand), LOC123493284 (Sharpr-MPRA regulatory region 158; plus strand). Cytogenetic location: 5p13.3.
Variant type: single nucleotide variant.
Coding change: c.760A>G on transcript NM_001204375.2 (MANE Select); coding-DNA position 760, A replaced by G.
Protein change: p.Ser254Gly; replaces serine 254 with glycine.
Molecular consequence: missense variant. On other transcripts: intron variant (4).
Genome position (GRCh38, 1-based): chr5:32,712,536, A>G. VCF-style: chr5-32712536-A-G. GRCh37 (hg19) VCF-style: chr5-32712642-A-G.
Other names: c.760A>G, p.Ser254Gly (NM_000908.4); c.50-12162A>G (NM_001364458.2); c.121+1753A>G (NM_001363652.2, NM_001204376.2, NM_001364460.2); short protein forms S254G.
Identifiers: ClinVar variation 1461007 (VCV001461007.8), dbSNP rs2111843383, ClinGen allele CA359467921.